The following is an entry in ClinVar:

NM_001042492.3(NF1):c.5359G>T (p.Glu1787Ter)

Gene: NF1 (neurofibromin 1; plus strand). Cytogenetic location: 17q11.2.
Variant type: single nucleotide variant.
Coding change: c.5359G>T on transcript NM_001042492.3 (MANE Select); coding-DNA position 5359, G replaced by T.
Protein change: p.Glu1787Ter; replaces glutamic acid 1787 with a stop codon.
Molecular consequence: nonsense.
Genome position (GRCh38, 1-based): chr17:31,327,589, G>T. VCF-style: chr17-31327589-G-T. GRCh37 (hg19) VCF-style: chr17-29654607-G-T.
Other names: c.5296G>T, p.Glu1766Ter (NM_000267.4); short protein forms E1787*, E1766*.
Identifiers: ClinVar variation 1452758 (VCV001452758.6), dbSNP rs2151541088, ClinGen allele CA399009257.

ClinVar aggregate classification (germline): Pathogenic (1 of 4 stars; one submission).

Conditions:
Neurofibromatosis, type 1 (NF1). Also called: Neurofibromatosis, type I; VON RECKLINGHAUSEN DISEASE; NEUROFIBROMATOSIS, TYPE I, SOMATIC; Peripheral type neurofibromatosis. Identifiers: Orphanet 636, MedGen C0027831, MONDO:0018975, OMIM 162200. Disease mechanism: loss of function.

Submission:

Labcorp Genetics (formerly Invitae), Labcorp
Classification: Pathogenic for Neurofibromatosis, type 1. Last evaluated: 2020-12-08. Review status: criteria provided, single submitter. Criteria: Invitae Variant Classification Sherloc (09022015). Collection method: clinical testing. Allele origin: germline.
Comment: For these reasons, this variant has been classified as Pathogenic. This variant has not been reported in the literature in individuals with NF1-related conditions. This variant is not present in population databases (ExAC no frequency). This sequence change creates a premature translational stop signal (p.Glu1766*) in the NF1 gene. It is expected to result in an absent or disrupted protein product. Loss-of-function variants in NF1 are known to be pathogenic (PMID: 10712197, 23913538).

Literature cited by the submitters: PubMed 10712197; PubMed 23913538.